The following is an entry in ClinVar:

NM_001846.4(COL4A2):c.2308A>T (p.Arg770Trp)

Gene: COL4A2 (collagen type IV alpha 2 chain; plus strand). Cytogenetic location: 13q34.
Variant type: single nucleotide variant.
Coding change: c.2308A>T on transcript NM_001846.4 (MANE Select); coding-DNA position 2308, A replaced by T.
Protein change: p.Arg770Trp; replaces arginine 770 with tryptophan.
Molecular consequence: missense variant.
Genome position (GRCh38, 1-based): chr13:110,473,033, A>T. VCF-style: chr13-110473033-A-T. GRCh37 (hg19) VCF-style: chr13-111125380-A-T.
Other names: short protein forms R770W.
Identifiers: ClinVar variation 3026886 (VCV003026886.22), dbSNP rs1047806468, ClinGen allele CA388742333.

ClinVar aggregate classification (germline): Uncertain significance (1 of 4 stars; one submission).

gnomAD v4.1: 1 of 1,514,412 alleles (0.000066%); no homozygotes.

Submission:

CeGaT Center for Human Genetics Tuebingen
Classification: Uncertain significance. Last evaluated: 2024-01-01. Review status: criteria provided, single submitter. Criteria: CeGaT Center For Human Genetics Tuebingen Variant Classification Criteria Version 2. Collection method: clinical testing. Allele origin: germline. Affected: yes. Observed: 1 variant allele.
Comment: COL4A2: PM2